The following is an entry in ClinVar:

ClinVar aggregate classification (germline): Likely benign (0 of 4 stars; one submission).

Conditions:
PKHD1L1-related disorder. Also called: PKHD1L1-related condition.

Allele frequency attached by ClinVar (database versions not stated): 1000 Genomes Project 0.00080; 1000 Genomes Project 30x 0.00094; ESP Exome Variant Server 0.00100; ExAC 0.00137; gnomAD exomes 0.00154.
gnomAD v4.1: 2,409 of 1,613,790 alleles (0.15%); highest among the groups gnomAD compares: South Asian, 0.17%; 7 homozygotes.

Submission:

PreventionGenetics, part of Exact Sciences
Classification: Likely benign for PKHD1L1-related condition. Last evaluated: 2024-02-27. Review status: no assertion criteria provided. Collection method: clinical testing. Allele origin: germline.
Comment: This variant is classified as likely benign based on ACMG/AMP sequence variant interpretation guidelines (Richards et al. 2015 PMID: 25741868, with internal and published modifications).

NM_177531.6(PKHD1L1):c.7904C>T (p.Thr2635Met)

Gene: PKHD1L1 (PKHD1 like 1; plus strand). Cytogenetic location: 8q23.1.
Variant type: single nucleotide variant.
Coding change: c.7904C>T on transcript NM_177531.6 (MANE Select); coding-DNA position 7904, C replaced by T.
Protein change: p.Thr2635Met; replaces threonine 2635 with methionine.
Molecular consequence: missense variant.
Genome position (GRCh38, 1-based): chr8:109,464,736, C>T. VCF-style: chr8-109464736-C-T. GRCh37 (hg19) VCF-style: chr8-110476965-C-T.
Other names: short protein forms T2635M.
Identifiers: ClinVar variation 3044575 (VCV003044575.2), dbSNP rs182056196, ClinGen allele CA4845917.